The following is an entry in ClinVar:

NM_000310.4(PPT1):c.218G>C (p.Gly73Ala)

Gene: PPT1 (palmitoyl-protein thioesterase 1; minus strand). Cytogenetic location: 1p34.2.
Variant type: single nucleotide variant.
Coding change: c.218G>C on transcript NM_000310.4 (MANE Select); coding-DNA position 218, G replaced by C.
Protein change: p.Gly73Ala; replaces glycine 73 with alanine.
Molecular consequence: missense variant. On other transcripts: intron variant (1).
Genome position (GRCh38, 1-based): chr1:40,092,414, C>G on the plus strand (G>C on the coding strand, the complement: PPT1 is on the minus strand). VCF-style: chr1-40092414-C-G. GRCh37 (hg19) VCF-style: chr1-40558086-C-G.
Other names: c.218G>C, p.Gly73Ala (NM_001363695.2); c.125-2902G>C (NM_001142604.2); short protein forms G73A.
Identifiers: ClinVar variation 952623 (VCV000952623.9), dbSNP rs1649619197, ClinGen allele CA339849616.

ClinVar aggregate classification (germline): Likely pathogenic (1 of 4 stars; one submission).

Conditions:
Neuronal ceroid lipofuscinosis 1 (CLN1). Also called: CEROID LIPOFUSCINOSIS, NEURONAL, 1, VARIABLE AGE AT ONSET; PPT1-Related Neuronal Ceroid-Lipofuscinosis. Identifiers: Orphanet 228329, MedGen C1850451, MONDO:0009744, OMIM 256730.

Submission:

Labcorp Genetics (formerly Invitae), Labcorp
Classification: Likely pathogenic for Neuronal ceroid lipofuscinosis 1. Last evaluated: 2019-08-13. Review status: criteria provided, single submitter. Criteria: Invitae Variant Classification Sherloc (09022015). Collection method: clinical testing. Allele origin: germline.
Comment: This variant is not present in population databases (ExAC no frequency). In summary, the currently available evidence indicates that the variant is pathogenic, but additional data are needed to prove that conclusively. Therefore, this variant has been classified as Likely Pathogenic. This variant disrupts the p.Gly73 amino acid residue in PPT1. Other variant(s) that disrupt this residue have been observed in individuals with PPT1-related conditions (PMID: 26075876), which suggests that this may be a clinically significant amino acid residue. Algorithms developed to predict the effect of missense changes on protein structure and function (SIFT, PolyPhen-2, Align-GVGD) all suggest that this variant is likely to be disruptive, but these predictions have not been confirmed by published functional studies and their clinical significance is uncertain. In at least one individual the data is consistent with the variant being in trans (on the opposite chromosome) from a pathogenic variant. This sequence change replaces glycine with alanine at codon 73 of the PPT1 protein (p.Gly73Ala). The glycine residue is highly conserved and there is a small physicochemical difference between glycine and alanine.

Literature cited by the submitters: PubMed 26075876.